The following is an entry in ClinVar:

NM_005591.4(MRE11):c.803G>C (p.Ser268Thr)

Gene: MRE11 (MRE11 double strand break repair nuclease; minus strand). Cytogenetic location: 11q21.
Variant type: single nucleotide variant.
Coding change: c.803G>C on transcript NM_005591.4 (MANE Select); coding-DNA position 803, G replaced by C.
Protein change: p.Ser268Thr; replaces serine 268 with threonine.
Molecular consequence: missense variant.
Genome position (GRCh38, 1-based): chr11:94,471,616, C>G on the plus strand (G>C on the coding strand, the complement: MRE11 is on the minus strand). VCF-style: chr11-94471616-C-G. GRCh37 (hg19) VCF-style: chr11-94204782-C-G.
Other names: c.803G>C, p.Ser268Thr (NM_001330347.2, NM_005590.4); short protein forms S268T.
Identifiers: ClinVar variation 3912894 (VCV003912894.1).

ClinVar aggregate classification (germline): Uncertain significance (1 of 4 stars; one submission).

Conditions:
Hereditary cancer-predisposing syndrome. Also called: Hereditary Cancer Syndrome; Hereditary neoplastic syndrome; Neoplastic Syndromes, Hereditary; Tumor predisposition. Identifiers: Orphanet 140162, MedGen C0027672, MeSH D009386, MONDO:0015356.

Submission:

Ambry Genetics
Classification: Uncertain significance for Hereditary cancer-predisposing syndrome. Last evaluated: 2025-06-07. Review status: criteria provided, single submitter. Criteria: Ambry Variant Classification Scheme 2023. Collection method: clinical testing. Allele origin: germline.
Comment: The p.S268T variant (also known as c.803G>C), located in coding exon 7 of the MRE11A gene, results from a G to C substitution at nucleotide position 803. The serine at codon 268 is replaced by threonine, an amino acid with similar properties. This amino acid position is conserved. In addition, this alteration is predicted to be deleterious by in silico analysis. Based on the available evidence, the clinical significance of this variant remains unclear.